The following is an entry in ClinVar:

NM_001354604.2(MITF):c.1516G>A (p.Gly506Arg)

Gene: MITF (melanocyte inducing transcription factor; plus strand). Cytogenetic location: 3p13.
Variant type: single nucleotide variant.
Coding change: c.1516G>A on transcript NM_001354604.2 (MANE Select); coding-DNA position 1516, G replaced by A.
Protein change: p.Gly506Arg; replaces glycine 506 with arginine.
Molecular consequence: missense variant.
Genome position (GRCh38, 1-based): chr3:69,965,183, G>A. VCF-style: chr3-69965183-G-A. GRCh37 (hg19) VCF-style: chr3-70014334-G-A.
Other names: c.1195G>A, p.Gly399Arg (NM_000248.4); c.1342G>A, p.Gly448Arg (NM_001184967.2, NM_001354608.2); c.1513G>A, p.Gly505Arg (NM_001354605.2); c.1495G>A, p.Gly499Arg (NM_001354606.2, NM_006722.3); c.1447G>A, p.Gly483Arg (NM_001354607.2); c.1177G>A, p.Gly393Arg (NM_198158.3); c.1498G>A, p.Gly500Arg (NM_198159.3); c.1450G>A, p.Gly484Arg (NM_198177.3); and 1 more; short protein forms G337R, G393R, G399R, G448R, G483R, G484R, G499R, G500R.
Identifiers: ClinVar variation 1208422 (VCV001208422.15), dbSNP rs531830542, ClinGen allele CA2490690.
Genomic context (GRCh38, chr3:69,965,183, plus strand): 5'-ATGGACGACACCCTTTCTCCCGTCGGTGTCACTGATCCACTCCTTTCCTCAGTGTCCCCC[G>A]GAGCTTCCAAAACAAGCAGCCGGAGGAGCAGTATGAGCATGGAAGAGACGGAGCACACTT-3'
Protein context (NP_001341533.1, residues 496-516): TDPLLSSVSP[Gly506Arg]ASKTSSRRSS

ClinVar aggregate classification (germline): Uncertain significance. Review status: criteria provided, multiple submitters, no conflicts (2 of 4 stars). 3 submissions from 3 submitters: Uncertain significance (3). Last evaluated 2026-01-10.

Conditions:
Melanoma, cutaneous malignant, susceptibility to, 8. Also called: MELANOMA AND RENAL CELL CARCINOMA, SUSCEPTIBILITY TO; Cutaneous malignant melanoma 8. Identifiers: Orphanet 293822, MedGen C3152204, MONDO:0013759, OMIM 614456.
Coloboma, osteopetrosis, microphthalmia, macrocephaly, albinism, and deafness (COMMAD). Also called: COMMAD syndrome. Identifiers: Orphanet 603494, MedGen C4310625, MONDO:0015014, OMIM 617306.
Tietz syndrome (TADS). Also called: ALBINISM-DEAFNESS OF TIETZ; HYPOPIGMENTATION/DEAFNESS OF TIETZ; TIETZ ALBINISM-DEAFNESS SYNDROME. Identifiers: Orphanet 42665, MedGen C0391816, MONDO:0007077, OMIM 103500.
Waardenburg syndrome type 2A (WS2A). Also called: WAARDENBURG SYNDROME WITHOUT DYSTOPIA CANTHORUM. Identifiers: Orphanet 3440, MedGen C1860339, MONDO:0008671, OMIM 193510.

Allele frequency attached by ClinVar (database versions not stated): 1000 Genomes Project 30x 0.00016; 1000 Genomes Project 0.00020.
gnomAD v4.1: 40 of 1,613,672 alleles (0.0025%); highest among the groups gnomAD compares: Admixed American, 0.04%; no homozygotes.

Submissions (3):

Labcorp Genetics (formerly Invitae), Labcorp
Classification: Uncertain significance for Melanoma, cutaneous malignant, susceptibility to, 8; Waardenburg syndrome type 2A; Tietz syndrome. Last evaluated: 2026-01-10. Review status: criteria provided, single submitter. Criteria: Invitae Variant Classification Sherloc (09022015). Collection method: clinical testing. Allele origin: germline.
Comment: This sequence change replaces glycine, which is neutral and non-polar, with arginine, which is basic and polar, at codon 399 of the MITF protein (p.Gly399Arg). This variant is present in population databases (rs531830542, gnomAD 0.04%). This missense change has been observed in individual(s) with clinical features of MITF-related conditions (PMID: 26850479). ClinVar contains an entry for this variant (Variation ID: 1208422). Invitae Evidence Modeling of protein sequence and biophysical properties (such as structural, functional, and spatial information, amino acid conservation, physicochemical variation, residue mobility, and thermodynamic stability) has been performed for this missense variant. However, the output from this modeling did not meet the statistical confidence thresholds required to predict the impact of this variant on MITF protein function. In summary, the available evidence is currently insufficient to determine the role of this variant in disease. Therefore, it has been classified as a Variant of Uncertain Significance.

GeneDx
Classification: Uncertain significance. Last evaluated: 2024-06-11. Review status: criteria provided, single submitter. Criteria: GeneDx Variant Classification Process June 2021. Collection method: clinical testing. Allele origin: germline. Affected: yes.
Comment: In silico analysis indicates that this missense variant does not alter protein structure/function; This variant is associated with the following publications: (PMID: 26850479)

Juno Genomics, Hangzhou Juno Genomics, Inc
Classification: Uncertain significance for Melanoma, cutaneous malignant, susceptibility to, 8; Coloboma, osteopetrosis, microphthalmia, macrocephaly, albinism, and deafness; Tietz syndrome; Waardenburg syndrome type 2A. Review status: criteria provided, single submitter. Criteria: ACMG Guidelines, 2015. Collection method: clinical testing. Allele origin: germline.
Comment: Absent from controls (or at extremely low frequency if recessive) in Genome Aggregation Database.

Literature cited by the submitters: PubMed 26850479 (cited by Labcorp Genetics (formerly Invitae), Labcorp).